The following is an entry in ClinVar:

ClinVar aggregate classification (germline): Uncertain significance (1 of 4 stars; one submission).

Conditions:
Autosomal recessive polycystic kidney disease (ARPKD). Also called: AR polycystic kidney disease. Identifiers: Orphanet 731, Orphanet 8378, MedGen C0085548, MeSH D017044, MONDO:0009889.

gnomAD v4.1: 2 of 1,611,216 alleles (0.00012%); highest among the groups gnomAD compares: South Asian, 0.0022%; no homozygotes.

Submission:

Labcorp Genetics (formerly Invitae), Labcorp
Classification: Uncertain significance for Autosomal recessive polycystic kidney disease. Last evaluated: 2023-09-11. Review status: criteria provided, single submitter. Criteria: Invitae Variant Classification Sherloc (09022015). Collection method: clinical testing. Allele origin: germline.
Comment: This sequence change replaces isoleucine, which is neutral and non-polar, with threonine, which is neutral and polar, at codon 3828 of the PKHD1 protein (p.Ile3828Thr). This variant is not present in population databases (gnomAD no frequency). This variant has not been reported in the literature in individuals affected with PKHD1-related conditions. Advanced modeling of protein sequence and biophysical properties (such as structural, functional, and spatial information, amino acid conservation, physicochemical variation, residue mobility, and thermodynamic stability) performed at Invitae indicates that this missense variant is not expected to disrupt PKHD1 protein function. In summary, the available evidence is currently insufficient to determine the role of this variant in disease. Therefore, it has been classified as a Variant of Uncertain Significance.

NM_138694.4(PKHD1):c.11483T>C (p.Ile3828Thr)

Gene: PKHD1 (PKHD1 ciliary IPT domain containing fibrocystin/polyductin; minus strand). Cytogenetic location: 6p12.3.
Variant type: single nucleotide variant.
Coding change: c.11483T>C on transcript NM_138694.4 (MANE Select); coding-DNA position 11483, T replaced by C.
Protein change: p.Ile3828Thr; replaces isoleucine 3828 with threonine.
Molecular consequence: missense variant.
Genome position (GRCh38, 1-based): chr6:51,638,872, A>G on the plus strand (T>C on the coding strand, the complement: PKHD1 is on the minus strand). VCF-style: chr6-51638872-A-G. GRCh37 (hg19) VCF-style: chr6-51503670-A-G.
Other names: short protein forms I3828T.
Identifiers: ClinVar variation 2810003 (VCV002810003.3), dbSNP rs540417377, ClinGen allele CA364421605.